The following is an entry in ClinVar:

ClinVar aggregate classification (germline): Conflicting classifications of pathogenicity. Review status: criteria provided, conflicting classifications (1 of 4 stars). 4 submissions from 4 submitters: Uncertain significance (1); Benign (1); Likely benign (2). Last evaluated 2026-05-01.

Conditions:
Niemann-Pick disease, type C1. Also called: NIEMANN-PICK DISEASE, VARIANT TYPE C1; NEUROVISCERAL STORAGE DISEASE WITH VERTICAL SUPRANUCLEAR OPHTHALMOPLEGIA; NIEMANN-PICK DISEASE WITH CHOLESTEROL ESTERIFICATION BLOCK; NIEMANN-PICK DISEASE WITHOUT SPHINGOMYELINASE DEFICIENCY; NIEMANN-PICK DISEASE, CHRONIC NEURONOPATHIC FORM. Identifiers: Orphanet 646, MedGen C3179455, MONDO:0009757, OMIM 257220.

Submissions (4):

CeGaT Center for Human Genetics Tuebingen
Classification: Likely benign. Last evaluated: 2026-05-01. Review status: criteria provided, single submitter. Criteria: CeGaT Center For Human Genetics Tuebingen Variant Classification Criteria Version 2. Collection method: clinical testing. Allele origin: germline. Affected: yes. Observed: 6 variant alleles.
Comment: NPC1: BP4, BS2

Labcorp Genetics (formerly Invitae), Labcorp
Classification: Likely benign for Niemann-Pick disease, type C1. Last evaluated: 2026-02-03. Review status: criteria provided, single submitter. Criteria: Invitae Variant Classification Sherloc (09022015). Collection method: clinical testing. Allele origin: germline.

Mayo Clinic Laboratories, Mayo Clinic
Classification: Benign. Last evaluated: 2024-04-16. Review status: criteria provided, single submitter. Criteria: ACMG Guidelines, 2015. Collection method: clinical testing. Allele origin: germline. Observed: 17 variant alleles.
Comment: BS1, BS2, BP4

Eurofins Ntd Llc (ga)
Classification: Uncertain significance. Last evaluated: 2017-10-04. Review status: criteria provided, single submitter. Criteria: EGL Classification Definitions 2015. Collection method: clinical testing. Allele origin: germline. Observed: 3 variant alleles.

NM_000271.5(NPC1):c.1947+7_1947+8insCGGGG

Gene: NPC1 (NPC intracellular cholesterol transporter 1; minus strand). Cytogenetic location: 18q11.2.
Variant type: Insertion.
Coding change: c.1947+7_1947+8insCGGGG on transcript NM_000271.5 (MANE Select); bases 7 to 8 of the intron after coding-DNA position 1947, CGGGG inserted.
Molecular consequence: intron variant.
Genome position: GRCh38 VCF-style: chr18-23544952-C-CCCCCG. GRCh37 (hg19) VCF-style: chr18-21124916-C-CCCCCG.
Other names: p.?.
Identifiers: ClinVar variation 539314 (VCV000539314.40), dbSNP rs1555634618, ClinGen allele CA8913333.